The following is an entry in ClinVar:

ClinVar aggregate classification (germline): Uncertain significance (1 of 4 stars; one submission).

Conditions:
Acromesomelic dysplasia 1, Maroteaux type (AMD1). Also called: ST. HELENA DYSPLASIA; ACROMESOMELIC DYSPLASIA 1. Identifiers: Orphanet 40, MedGen C1864356, MONDO:0011275, OMIM 602875.
Tall stature-scoliosis-macrodactyly of the great toes syndrome. Also called: Epiphyseal chondrodysplasia, miura type. Identifiers: Orphanet 329191, MedGen C4014690, MONDO:0014401, OMIM 615923.

Submission:

Labcorp Genetics (formerly Invitae), Labcorp
Classification: Uncertain significance for Tall stature-scoliosis-macrodactyly of the great toes syndrome; Acromesomelic dysplasia 1, Maroteaux type. Last evaluated: 2025-09-24. Review status: criteria provided, single submitter. Criteria: Invitae Variant Classification Sherloc (09022015). Collection method: clinical testing. Allele origin: germline.
Comment: This sequence change affects codon 744 of the NPR2 mRNA. It is a 'silent' change, meaning that it does not change the encoded amino acid sequence of the NPR2 protein. Information on the frequency of this variant in the gnomAD database is not available, as this variant may be reported differently in the database. This variant has not been reported in the literature in individuals affected with NPR2-related conditions. Experimental studies and prediction algorithms are not available or were not evaluated, and the effect of this variant on mRNA splicing is currently unknown. In summary, the available evidence is currently insufficient to determine the role of this variant in disease. Therefore, it has been classified as a Variant of Uncertain Significance.

NM_003995.4(NPR2):c.2232_2233delinsAA (p.Gln744_Arg745=)

Gene: NPR2 (natriuretic peptide receptor 2; plus strand). Cytogenetic location: 9p13.3.
Variant type: Indel.
Coding change: c.2232_2233delinsAA on transcript NM_003995.4 (MANE Select); coding-DNA positions 2232 to 2233, GC replaced by AA.
Protein change: p.Gln744_Arg745=.
Molecular consequence: synonymous variant.
Genome position (GRCh38, 1-based): chr9:35,806,093-35,806,094, GC replaced by AA. VCF-style: chr9-35806093-GC-AA. GRCh37 (hg19) VCF-style: chr9-35806090-GC-AA.
Other names: c.2241_2242delinsAA, p.Gln747_Arg748= (NM_001378923.1).
Identifiers: ClinVar variation 4792504 (VCV004792504.1).